The following is an entry in ClinVar:

ClinVar aggregate classification (germline): Pathogenic (1 of 4 stars; one submission).

Submission:

Labcorp Genetics (formerly Invitae), Labcorp
Classification: Pathogenic. Last evaluated: 2023-08-02. Review status: criteria provided, single submitter. Criteria: Invitae Variant Classification Sherloc (09022015). Collection method: clinical testing. Allele origin: germline.
Comment: For these reasons, this variant has been classified as Pathogenic. This variant has not been reported in the literature in individuals affected with LOXHD1-related conditions. This variant is not present in population databases (gnomAD no frequency). This sequence change creates a premature translational stop signal (p.Trp1893Glyfs*13) in the LOXHD1 gene. It is expected to result in an absent or disrupted protein product. Loss-of-function variants in LOXHD1 are known to be pathogenic (PMID: 19732867, 21465660, 25792669).

Literature cited by the submitters: PubMed 19732867; PubMed 21465660; PubMed 25792669.

NM_001384474.1(LOXHD1):c.5863del (p.Trp1955fs)

Gene: LOXHD1 (lipoxygenase homology PLAT domains 1; minus strand). Cytogenetic location: 18q21.1.
Variant type: Deletion.
Coding change: c.5863del on transcript NM_001384474.1 (MANE Select); coding-DNA position 5863, one base deleted (T; older notation c.5863delT).
Protein change: p.Trp1955fs; shifts the reading frame from tryptophan 1955.
Molecular consequence: frameshift variant.
Genome position (GRCh38, 1-based): chr18:46,505,853, A deleted on the plus strand (T on the coding strand, the reverse complement: LOXHD1 is on the minus strand). VCF-style (leftmost placement, unchanged base first): chr18-46505852-CA-C. GRCh37 (hg19) VCF-style: chr18-44085815-CA-C.
Other names: c.2530del, p.Trp844fs (NM_001145472.3); c.580del, p.Trp194fs (NM_001145473.3, NM_001173129.2); c.2242del, p.Trp748fs (NM_001308013.2); c.5677del, p.Trp1893fs (NM_144612.7); short protein forms W1893fs, W194fs, W748fs, W844fs, W1955fs.
Identifiers: ClinVar variation 2749285 (VCV002749285.3), dbSNP rs2511481049, ClinGen allele CA2697555475.